The following is an entry in ClinVar:

ClinVar aggregate classification (germline): Likely benign (1 of 4 stars; one submission).

Allele frequency attached by ClinVar (database versions not stated): gnomAD exomes 0.00089; ESP Exome Variant Server 0.00092; gnomAD 0.00104.
gnomAD v4.1: 1,535 of 1,607,772 alleles (0.095%); highest among the groups gnomAD compares: Middle Eastern, 0.25%; 5 homozygotes.

Submission:

CeGaT Center for Human Genetics Tuebingen
Classification: Likely benign. Last evaluated: 2023-04-01. Review status: criteria provided, single submitter. Criteria: CeGaT Center For Human Genetics Tuebingen Variant Classification Criteria Version 2. Collection method: clinical testing. Allele origin: germline. Affected: yes. Observed: 1 variant allele.
Comment: ZNF683: BP4, BP7

NM_001114759.3(ZNF683):c.354C>T (p.Thr118=)

Gene: ZNF683 (zinc finger protein 683; minus strand). Cytogenetic location: 1p36.11.
Variant type: single nucleotide variant.
Coding change: c.354C>T on transcript NM_001114759.3 (MANE Select); coding-DNA position 354, C replaced by T.
Protein change: p.Thr118=; no amino-acid change (threonine 118 retained).
Molecular consequence: synonymous variant.
Genome position (GRCh38, 1-based): chr1:26,365,192, G>A on the plus strand (C>T on the coding strand, the complement: ZNF683 is on the minus strand). VCF-style: chr1-26365192-G-A. GRCh37 (hg19) VCF-style: chr1-26691683-G-A.
Other names: c.354C>T, p.Thr118= (NM_001307925.1, NM_173574.3).
Identifiers: ClinVar variation 2638522 (VCV002638522.24), dbSNP rs142231514, ClinGen allele CA704874.